The following is an entry in ClinVar:

NM_000321.3(RB1):c.1405T>G (p.Ser469Ala)

Gene: RB1 (RB transcriptional corepressor 1; plus strand). Cytogenetic location: 13q14.2.
Variant type: single nucleotide variant.
Coding change: c.1405T>G on transcript NM_000321.3 (MANE Select); coding-DNA position 1405, T replaced by G.
Protein change: p.Ser469Ala; replaces serine 469 with alanine.
Molecular consequence: missense variant.
Genome position (GRCh38, 1-based): chr13:48,380,068, T>G. VCF-style: chr13-48380068-T-G. GRCh37 (hg19) VCF-style: chr13-48954204-T-G.
Other names: c.1405T>G, p.Ser469Ala (NM_001407165.1, NM_001407166.1); short protein forms S469A.
Identifiers: ClinVar variation 3313059 (VCV003313059.2).

ClinVar aggregate classification (germline): Uncertain significance. Review status: criteria provided, multiple submitters, no conflicts (2 of 4 stars). 2 submissions from 2 submitters: Uncertain significance (2). Last evaluated 2025-11-19.

Conditions:
Retinoblastoma (RB1). Also called: RETINOBLASTOMA, SOMATIC. Identifiers: Orphanet 790, MedGen C0035335, MeSH D012175, MONDO:0008380, OMIM 180200, HP:0009919. Disease mechanism: loss of function. Inheritance: Both sporadic and heritable forms are tested..
Hereditary cancer-predisposing syndrome. Also called: Neoplastic Syndromes, Hereditary; Tumor predisposition; Hereditary neoplastic syndrome; Hereditary Cancer Syndrome. Identifiers: Orphanet 140162, MedGen C0027672, MeSH D009386, MONDO:0015356.

Submissions (2):

Labcorp Genetics (formerly Invitae), Labcorp
Classification: Uncertain significance for Retinoblastoma. Last evaluated: 2025-11-19. Review status: criteria provided, single submitter. Criteria: Invitae Variant Classification Sherloc (09022015). Collection method: clinical testing. Allele origin: germline.
Comment: This sequence change replaces serine, which is neutral and polar, with alanine, which is neutral and non-polar, at codon 469 of the RB1 protein (p.Ser469Ala). This variant is not present in population databases (gnomAD no frequency). This variant has not been reported in the literature in individuals affected with RB1-related conditions. ClinVar contains an entry for this variant (Variation ID: 3313059). Invitae Evidence Modeling of protein sequence and biophysical properties (such as structural, functional, and spatial information, amino acid conservation, physicochemical variation, residue mobility, and thermodynamic stability) indicates that this missense variant is not expected to disrupt RB1 protein function with a negative predictive value of 80%. In summary, the available evidence is currently insufficient to determine the role of this variant in disease. Therefore, it has been classified as a Variant of Uncertain Significance.

Ambry Genetics
Classification: Uncertain significance for Hereditary cancer-predisposing syndrome. Last evaluated: 2024-05-18. Review status: criteria provided, single submitter. Criteria: Ambry Variant Classification Scheme 2023. Collection method: clinical testing. Allele origin: germline.
Comment: The p.S469A variant (also known as c.1405T>G), located in coding exon 15 of the RB1 gene, results from a T to G substitution at nucleotide position 1405. The serine at codon 469 is replaced by alanine, an amino acid with similar properties. This amino acid position is conserved. In addition, the in silico prediction for this alteration is inconclusive. Based on the available evidence, the clinical significance of this variant remains unclear.